The following is an entry in ClinVar:

NM_133459.4(CCBE1):c.458C>A (p.Thr153Asn)

Gene: CCBE1 (collagen and calcium binding EGF domains 1; minus strand). Cytogenetic location: 18q21.32.
Variant type: single nucleotide variant.
Coding change: c.458C>A on transcript NM_133459.4 (MANE Select); coding-DNA position 458, C replaced by A.
Protein change: p.Thr153Asn; replaces threonine 153 with asparagine.
Molecular consequence: missense variant.
Genome position (GRCh38, 1-based): chr18:59,466,834, G>T on the plus strand (C>A on the coding strand, the complement: CCBE1 is on the minus strand). VCF-style: chr18-59466834-G-T. GRCh37 (hg19) VCF-style: chr18-57134066-G-T.
Other names: short protein forms T153N.
Identifiers: ClinVar variation 3351003 (VCV003351003.1).
Genomic context (GRCh38, chr18:59,466,834, plus strand): 5'-GTCTTCCCATCATCTTCCCGGATGTAGCCTTCCCGGCACTCGCAGCGGTAGCTGCCCAAG[G>T]TATTGATGCAGATGTGGGCACACAGCGTCCCATTGCTGCTGGCACACTCATCAATATCTG-3'
Protein context (NP_597716.1, residues 143-163): GTLCAHICIN[Thr153Asn]LGSYRCECRE

ClinVar aggregate classification (germline): Uncertain significance (0 of 4 stars; one submission).

Conditions:
CCBE1-related disorder. Also called: CCBE1-related condition.

gnomAD v4.1: 32 of 1,613,554 alleles (0.002%); highest among the groups gnomAD compares: Non-Finnish European, 0.0023%; no homozygotes.

Submission:

PreventionGenetics, part of Exact Sciences
Classification: Uncertain significance for CCBE1-related condition. Last evaluated: 2024-03-19. Review status: no assertion criteria provided. Collection method: clinical testing. Allele origin: germline.
Comment: The CCBE1 c.458C>A variant is predicted to result in the amino acid substitution p.Thr153Asn. To our knowledge, this variant has not been reported in the literature. This variant is reported in 0.0035% of alleles in individuals of European (Non-Finnish) descent in gnomAD. At this time, the clinical significance of this variant is uncertain due to the absence of conclusive functional and genetic evidence.